The following is an entry in ClinVar:

NM_000282.4(PCCA):c.853C>G (p.Leu285Val)

Gene: PCCA (propionyl-CoA carboxylase subunit alpha; plus strand). Cytogenetic location: 13q32.3.
Variant type: single nucleotide variant.
Coding change: c.853C>G on transcript NM_000282.4 (MANE Select); coding-DNA position 853, C replaced by G.
Protein change: p.Leu285Val; replaces leucine 285 with valine.
Molecular consequence: missense variant. On other transcripts: 5 prime UTR variant (3), non-coding transcript variant (5).
Genome position (GRCh38, 1-based): chr13:100,268,722, C>G. VCF-style: chr13-100268722-C-G. GRCh37 (hg19) VCF-style: chr13-100920976-C-G.
Other names: c.775C>G, p.Leu259Val (NM_001127692.3, NM_001352607.2, NM_001352608.2); c.853C>G, p.Leu285Val (NM_001178004.2, NM_001352605.2, NM_001352606.2 and 1 more transcripts); c.-93C>G (NM_001352610.2, NM_001352611.2, NM_001352612.2); short protein forms L259V, L285V.
Identifiers: ClinVar variation 4686997 (VCV004686997.1).

ClinVar aggregate classification (germline): Uncertain significance (1 of 4 stars; one submission).

gnomAD v4.1: 1 of 1,613,944 alleles (0.000062%); highest among the groups gnomAD compares: Non-Finnish European, 0.000085%; no homozygotes.

Submission:

GeneDx
Classification: Uncertain significance. Last evaluated: 2025-07-24. Review status: criteria provided, single submitter. Criteria: GeneDx Variant Classification Process June 2021. Collection method: clinical testing. Allele origin: germline. Affected: yes.
Comment: Not observed at significant frequency in large population cohorts (gnomAD); In silico analysis supports that this missense variant has a deleterious effect on protein structure/function; Has not been previously published as pathogenic or benign to our knowledge